The following is an entry in ClinVar:

ClinVar aggregate classification (germline): Uncertain significance (1 of 4 stars; one submission).

Conditions:
Leigh syndrome (NULS). Also called: Leigh's necrotizing encephalopathy; Leigh's disease; Leigh Syndrome (mtDNA deletion); Leigh Disease; Subacute necrotizing encephalopathy; Necrotizing encephalopathy infantile subacute of Leigh. Identifiers: Orphanet 506, MedGen C2931891, MONDO:0009723, OMIM 256000.

Submission:

Wong Mito Lab, Molecular and Human Genetics, Baylor College of Medicine
Classification: Uncertain significance for Leigh syndrome. Last evaluated: 2019-10-17. Review status: criteria provided, single submitter. Criteria: Modified ACMG Guidelines (Unpublished). Collection method: clinical testing. Allele origin: germline.
Comment: The NC_012920.1:m.9820G>A (YP_003024032.1:p.Gly205Glu) variant in MTCO3 gene is interpretated to be a Uncertain Significance variant based on the modified ACMG guidelines (unpublished). This variant meets the following evidence codes: PP6

NC_012920.1(MT-CO3):m.9820G>A

Gene: MT-CO3 (mitochondrially encoded cytochrome c oxidase III; plus strand).
Variant type: single nucleotide variant.
Genome position: chrM-9820-G-A.
Identifiers: ClinVar variation 693233 (VCV000693233.1), dbSNP rs1603222513, ClinGen allele CA414803782.